The following is an entry in ClinVar:

NM_000059.4(BRCA2):c.607_610dup (p.Leu204fs)

Gene: BRCA2 (BRCA2 DNA repair associated; plus strand). Cytogenetic location: 13q13.1.
Variant type: Microsatellite.
Coding change: c.607_610dup on transcript NM_000059.4 (MANE Select); coding-DNA positions 607 to 610, 4 bases duplicated (ACCC; older notation c.607_610dupACCC).
Protein change: p.Leu204fs; shifts the reading frame from leucine 204.
Molecular consequence: frameshift variant. On other transcripts: non-coding transcript variant (1).
Genome position (GRCh38, 1-based): chr13:32,326,589-32,326,592, ACCC duplicated; duplicating any 4 consecutive bases within chr13:32,326,583-32,326,592 gives the same sequence; the c. name uses the placement nearest the transcript's 3' end. VCF-style (leftmost placement, unchanged base first): chr13-32326582-A-ACCAC. GRCh37 (hg19) VCF-style: chr13-32900719-A-ACCAC.
Other names: c.607_610dup, p.Leu204fs (NM_001406719.1, NM_001406720.1, NM_001406721.1); c.238_241dup, p.Leu81fs (NM_001406722.1); short protein forms L204fs, L81fs.
Identifiers: ClinVar variation 2574093 (VCV002574093.1), dbSNP rs1566219336, ClinGen allele CA919242696.
Genomic context (GRCh38, chr13:32,326,582, plus strand): 5'-TTCTGAAAGTCTAGGAGCTGAGGTGGATCCTGATATGTCTTGGTCAAGTTCTTTAGCTAC[A>ACCAC]CCACCCACCCTTAGTTCTACTGTGCTCATAGGTAATAATAGCAAATGTGTATTTACAAGA-3'

ClinVar aggregate classification (germline): Likely pathogenic (0 of 4 stars; one submission).

Conditions:
Breast-ovarian cancer, familial, susceptibility to, 2 (BROVCA2). Also called: BRCA2 Hereditary Breast and Ovarian Cancer. Identifiers: Orphanet 145, MedGen C2675520, MONDO:0012933, OMIM 612555. Disease mechanism: loss of function.

Submission:

deCODE genetics, Amgen
Classification: Likely pathogenic for Breast-ovarian cancer, familial, susceptibility to, 2. Last evaluated: 2023-07-21. Review status: no assertion criteria provided. Collection method: research. Allele origin: germline. Affected: yes. Observed: 1 variant allele.
Comment: The variant NM_000059.4:c.607_610dup (chr13:32326582) in BRCA2 was detected in 1 heterozygote out of 58K WGS Icelanders (MAF= 0,001%). This variant has not been reported in ClinVar previously. Based on ACMG criteria (PVS1, PM2) this variant classifies as likely pathogenic.